The following is an entry in ClinVar:

ClinVar aggregate classification (germline): Uncertain significance. Review status: criteria provided, multiple submitters, no conflicts (2 of 4 stars). 3 submissions from 3 submitters: Uncertain significance (3). Last evaluated 2024-08-05.

Conditions:
Inborn genetic diseases. Identifiers: MedGen C0950123, MeSH D030342.

Allele frequency attached by ClinVar (database versions not stated): gnomAD exomes below 0.00001; TOPMed 0.00001.

Submissions (3):

Ambry Genetics
Classification: Uncertain significance for Inborn genetic diseases. Last evaluated: 2024-08-05. Review status: criteria provided, single submitter. Criteria: Ambry Variant Classification Scheme 2023. Collection method: clinical testing. Allele origin: germline.

Labcorp Genetics (formerly Invitae), Labcorp
Classification: Uncertain significance. Last evaluated: 2022-08-05. Review status: criteria provided, single submitter. Criteria: Invitae Variant Classification Sherloc (09022015). Collection method: clinical testing. Allele origin: germline.
Comment: ClinVar contains an entry for this variant (Variation ID: 1306527). This variant has not been reported in the literature in individuals affected with MYO6-related conditions. This variant is not present in population databases (gnomAD no frequency). This sequence change replaces methionine, which is neutral and non-polar, with isoleucine, which is neutral and non-polar, at codon 701 of the MYO6 protein (p.Met701Ile). Algorithms developed to predict the effect of missense changes on protein structure and function are either unavailable or do not agree on the potential impact of this missense change (SIFT: "Tolerated"; PolyPhen-2: "Not Available"; Align-GVGD: "Class C0"). In summary, the available evidence is currently insufficient to determine the role of this variant in disease. Therefore, it has been classified as a Variant of Uncertain Significance.

GeneDx
Classification: Uncertain significance. Last evaluated: 2019-06-19. Review status: criteria provided, single submitter. Criteria: GeneDx Variant Classification Process June 2021. Collection method: clinical testing. Allele origin: germline. Affected: yes.
Comment: Not observed in large population cohorts (Lek et al., 2016); In silico analysis, which includes protein predictors and evolutionary conservation, supports a deleterious effect; Has not been previously published as pathogenic or benign to our knowledge

NM_004999.4(MYO6):c.2103G>A (p.Met701Ile)

Gene: MYO6 (myosin VI; plus strand). Cytogenetic location: 6q14.1.
Variant type: single nucleotide variant.
Coding change: c.2103G>A on transcript NM_004999.4 (MANE Select); coding-DNA position 2103, G replaced by A.
Protein change: p.Met701Ile; replaces methionine 701 with isoleucine.
Molecular consequence: missense variant. On other transcripts: non-coding transcript variant (1).
Genome position (GRCh38, 1-based): chr6:75,879,845, G>A. VCF-style: chr6-75879845-G-A. GRCh37 (hg19) VCF-style: chr6-76589562-G-A.
Other names: c.2103G>A, p.Met701Ile (NM_001300899.2, NM_001368136.1, NM_001368137.1 and 2 more transcripts); c.2088G>A, p.Met696Ile (NM_001368138.1); short protein forms M696I, M701I.
Identifiers: ClinVar variation 1306527 (VCV001306527.7), dbSNP rs975737464, ClinGen allele CA141078413.